The following is an entry in ClinVar:

NM_001177316.2(SLC34A3):c.1335+2T>A

Gene: SLC34A3 (solute carrier family 34 member 3; plus strand). Cytogenetic location: 9q34.3.
Variant type: single nucleotide variant.
Coding change: c.1335+2T>A on transcript NM_001177316.2 (MANE Select); the canonical splice donor site of the intron after coding-DNA position 1335, T replaced by A.
Molecular consequence: splice donor variant.
Genome position (GRCh38, 1-based): chr9:137,234,733, T>A. VCF-style: chr9-137234733-T-A. GRCh37 (hg19) VCF-style: chr9-140129185-T-A.
Other names: c.1335+2T>A (NM_080877.2, NM_001177317.2, NM_080877.3).
Identifiers: ClinVar variation 1066383 (VCV001066383.13), dbSNP rs752222200, ClinGen allele CA5364897.

ClinVar aggregate classification (germline): Pathogenic/Likely pathogenic. Review status: criteria provided, multiple submitters, no conflicts (2 of 4 stars). 4 submissions from 4 submitters: Pathogenic (3); Likely pathogenic (1). Last evaluated 2025-01-11.

Conditions:
Autosomal recessive hypophosphatemic bone disease (HHRH). Also called: Hypophosphatemic rickets with hypercalciuria; HYPERCALCIURIC RICKETS. Identifiers: Orphanet 157215, MedGen C1853271, MONDO:0009431, OMIM 241530.
SLC34A3-related disorder. Also called: SLC34A3-related condition.

Allele frequency attached by ClinVar (database versions not stated): ExAC 0.00002; gnomAD 0.00002; TOPMed 0.00003; gnomAD exomes 0.00004.

Submissions (4):

Labcorp Genetics (formerly Invitae), Labcorp
Classification: Pathogenic. Last evaluated: 2025-01-11. Review status: criteria provided, single submitter. Criteria: Invitae Variant Classification Sherloc (09022015). Collection method: clinical testing. Allele origin: germline.
Comment: This sequence change affects a donor splice site in intron 12 of the SLC34A3 gene. While this variant is not anticipated to result in nonsense mediated decay, it likely alters RNA splicing and results in a disrupted protein product. This variant is present in population databases (rs752222200, gnomAD 0.007%). Disruption of this splice site has been observed in individual(s) with hypophosphatemic rickets with hypercalciuria (PMID: 29505567). In at least one individual the data is consistent with being in trans (on the opposite chromosome) from a pathogenic variant. ClinVar contains an entry for this variant (Variation ID: 1066383). Variants that disrupt the consensus splice site are a relatively common cause of aberrant splicing (PMID: 17576681, 9536098). Algorithms developed to predict the effect of sequence changes on RNA splicing suggest that this variant may disrupt the consensus splice site. This variant disrupts a region of the SLC34A3 protein in which other variant(s) (p.Arg468Trp) have been determined to be pathogenic (PMID: 16358214, 22159077, 24246249, 26399350). This suggests that this is a clinically significant region of the protein, and that variants that disrupt it are likely to be disease-causing. For these reasons, this variant has been classified as Pathogenic.

PreventionGenetics, part of Exact Sciences
Classification: Pathogenic for SLC34A3-related condition. Last evaluated: 2024-10-16. Review status: criteria provided, single submitter. Criteria: ACMG Guidelines, 2015. Collection method: clinical testing. Allele origin: germline.
Comment: The SLC34A3 c.1335+2T>A variant is predicted to disrupt the GT donor site and interfere with normal splicing. This variant has been reported in the compound heterozygous state in two siblings where one individual had nephrocalcinosis, slightly elevated ALP, and hypophosphatemia and the other individual had intermittent mild hypophosphatemia (Acar et al. 2018. PubMed ID: 29505567). This variant has also been reported in the homozygous state in one family with hereditary hypophosphatemic rickets (Turan et al. 2021. PubMed ID: 33852231). This variant is reported in 0.0072% of alleles in individuals of European (non-Finnish) descent in gnomAD. Variants that disrupt the consensus splice donor site in SLC34A3 are expected to be pathogenic. This variant is interpreted as pathogenic.

Fulgent Genetics
Classification: Likely pathogenic for Autosomal recessive hypophosphatemic bone disease. Last evaluated: 2024-03-05. Review status: criteria provided, single submitter. Criteria: ACMG Guidelines, 2015. Collection method: clinical testing. Allele origin: germline.

Institute for Medical Genetics and Human Genetics, Charité - Universitätsmedizin Berlin
Classification: Pathogenic for Autosomal recessive hypophosphatemic bone disease. Last evaluated: 2022-09-22. Review status: criteria provided, single submitter. Criteria: ACMG Guidelines, 2015. Collection method: clinical testing. Allele origin: germline. Inheritance: Autosomal recessive inheritance. Affected: yes. Observed: 1 compound heterozygote.

Literature cited by the submitters: PubMed 29505567 (cited by Labcorp Genetics (formerly Invitae), Labcorp); PubMed 17576681 (cited by Labcorp Genetics (formerly Invitae), Labcorp); PubMed 9536098 (cited by Labcorp Genetics (formerly Invitae), Labcorp); PubMed 16358214 (cited by Labcorp Genetics (formerly Invitae), Labcorp); PubMed 22159077 (cited by Labcorp Genetics (formerly Invitae), Labcorp); PubMed 24246249 (cited by Labcorp Genetics (formerly Invitae), Labcorp); PubMed 26399350 (cited by Labcorp Genetics (formerly Invitae), Labcorp).